The following is an entry in ClinVar:

NM_018180.3(DHX32):c.1955T>C (p.Leu652Pro)

Genes: BCCIP (BRCA2 and CDKN1A interacting protein; plus strand), DHX32 (DEAH-box helicase 32 (putative); minus strand). Cytogenetic location: 10q26.2.
Variant type: single nucleotide variant.
Coding change: c.1955T>C on transcript NM_018180.3 (MANE Select); coding-DNA position 1955, T replaced by C.
Protein change: p.Leu652Pro; replaces leucine 652 with proline.
Molecular consequence: missense variant. On other transcripts: intron variant (2).
Genome position (GRCh38, 1-based): chr10:125,838,314, A>G on the plus strand (T>C on the coding strand, the complement: DHX32 is on the minus strand). VCF-style: chr10-125838314-A-G. GRCh37 (hg19) VCF-style: chr10-127526883-A-G.
Other names: c.775-2941A>G (NM_016567.4, NM_078469.3); short protein forms L652P.
Identifiers: ClinVar variation 1376455 (VCV001376455.8), dbSNP rs1854763960, ClinGen allele CA378672611.

ClinVar aggregate classification (germline): Uncertain significance. Review status: criteria provided, multiple submitters, no conflicts (2 of 4 stars). 2 submissions from 2 submitters: Uncertain significance (2). Last evaluated 2025-03-22.

gnomAD v4.1: 6 of 1,613,940 alleles (0.00037%); highest among the groups gnomAD compares: Non-Finnish European, 0.00051%; no homozygotes.

Submissions (2):

Ambry Genetics
Classification: Uncertain significance. Last evaluated: 2025-03-22. Review status: criteria provided, single submitter. Criteria: Ambry Variant Classification Scheme 2023. Collection method: clinical testing. Allele origin: germline.

Labcorp Genetics (formerly Invitae), Labcorp
Classification: Uncertain significance. Last evaluated: 2024-08-20. Review status: criteria provided, single submitter. Criteria: Invitae Variant Classification Sherloc (09022015). Collection method: clinical testing. Allele origin: germline.
Comment: This sequence change replaces leucine, which is neutral and non-polar, with proline, which is neutral and non-polar, at codon 652 of the DHX32 protein (p.Leu652Pro). This variant is not present in population databases (gnomAD no frequency). This variant has not been reported in the literature in individuals affected with DHX32-related conditions. ClinVar contains an entry for this variant (Variation ID: 1376455). An algorithm developed to predict the effect of missense changes on protein structure and function (PolyPhen-2) suggests that this variant is likely to be disruptive. In summary, the available evidence is currently insufficient to determine the role of this variant in disease. Therefore, it has been classified as a Variant of Uncertain Significance.